The following is an entry in ClinVar:

ClinVar aggregate classification (germline): Uncertain significance (1 of 4 stars; one submission).

Submission:

GeneDx
Classification: Uncertain significance. Last evaluated: 2023-11-15. Review status: criteria provided, single submitter. Criteria: GeneDx Variant Classification Process June 2021. Collection method: clinical testing. Allele origin: germline. Affected: yes.
Comment: Not observed at significant frequency in large population cohorts (gnomAD); Has not been previously published as pathogenic or benign to our knowledge; In silico analysis suggests this variant may impact gene splicing. In the absence of RNA/functional studies, the actual effect of this sequence change is unknown.

NM_000540.3(RYR1):c.9473-22_9473-1dup

Gene: RYR1 (ryanodine receptor 1; plus strand). Cytogenetic location: 19q13.2.
Variant type: Duplication.
Coding change: c.9473-22_9473-1dup on transcript NM_000540.3 (MANE Select); 22 bases into the intron before coding-DNA position 9473 through the canonical splice acceptor site of the intron before coding-DNA position 9473, 22 bases duplicated (CCTCGCCCCCTGTCTCCCTCAG).
Molecular consequence: splice acceptor variant.
Genome position (GRCh38, 1-based): chr19:38,515,004-38,515,025, CCTCGCCCCCTGTCTCCCTCAG duplicated; duplicating any 22 consecutive bases within chr19:38,515,001-38,515,025 gives the same sequence; the c. name uses the placement nearest the transcript's 3' end. VCF-style (leftmost placement, unchanged base first): chr19-38515000-G-GCAGCCTCGCCCCCTGTCTCCCT. GRCh37 (hg19) VCF-style: chr19-39005640-G-GCAGCCTCGCCCCCTGTCTCCCT.
Other names: c.9473-22_9473-1dup (NM_001042723.2).
Identifiers: ClinVar variation 3364198 (VCV003364198.1).